The following is an entry in ClinVar:

NM_005477.3(HCN4):c.3526G>T (p.Gly1176Trp)

Gene: HCN4 (hyperpolarization activated cyclic nucleotide gated potassium channel 4; minus strand). Cytogenetic location: 15q24.1.
Variant type: single nucleotide variant.
Coding change: c.3526G>T on transcript NM_005477.3 (MANE Select); coding-DNA position 3526, G replaced by T.
Protein change: p.Gly1176Trp; replaces glycine 1176 with tryptophan.
Molecular consequence: missense variant.
Genome position (GRCh38, 1-based): chr15:73,322,567, C>A on the plus strand (G>T on the coding strand, the complement: HCN4 is on the minus strand). VCF-style: chr15-73322567-C-A. GRCh37 (hg19) VCF-style: chr15-73614908-C-A.
Other names: short protein forms G1176W.
Identifiers: ClinVar variation 2738232 (VCV002738232.3), dbSNP rs1060500104, ClinGen allele CA393085007.

ClinVar aggregate classification (germline): Uncertain significance (1 of 4 stars; one submission).

Conditions:
Brugada syndrome 8 (BRGDA8). Identifiers: Orphanet 130, MedGen C2751083, MONDO:0013148, OMIM 613123.

gnomAD v4.1: 1 of 1,608,642 alleles (0.000062%); no homozygotes.

Submission:

Labcorp Genetics (formerly Invitae), Labcorp
Classification: Uncertain significance for Brugada syndrome 8. Last evaluated: 2025-07-06. Review status: criteria provided, single submitter. Criteria: Invitae Variant Classification Sherloc (09022015). Collection method: clinical testing. Allele origin: germline.
Comment: This sequence change replaces glycine, which is neutral and non-polar, with tryptophan, which is neutral and slightly polar, at codon 1176 of the HCN4 protein (p.Gly1176Trp). This variant is not present in population databases (gnomAD no frequency). This variant has not been reported in the literature in individuals affected with HCN4-related conditions. ClinVar contains an entry for this variant (Variation ID: 2738232). Invitae Evidence Modeling of protein sequence and biophysical properties (such as structural, functional, and spatial information, amino acid conservation, physicochemical variation, residue mobility, and thermodynamic stability) indicates that this missense variant is not expected to disrupt HCN4 protein function with a negative predictive value of 95%. In summary, the available evidence is currently insufficient to determine the role of this variant in disease. Therefore, it has been classified as a Variant of Uncertain Significance.